The following is an entry in ClinVar:

ClinVar aggregate classification (germline): Likely benign (1 of 4 stars; one submission).

Submission:

CeGaT Center for Human Genetics Tuebingen
Classification: Likely benign. Last evaluated: 2022-08-01. Review status: criteria provided, single submitter. Criteria: CeGaT Center For Human Genetics Tuebingen Variant Classification Criteria Version 2. Collection method: clinical testing. Allele origin: germline. Affected: yes. Observed: 1 variant allele.
Comment: WDFY3: PM2:Supporting, BP4, BP7

NM_014991.6(WDFY3):c.10467C>G (p.Arg3489=)

Gene: WDFY3 (WD repeat and FYVE domain containing 3; minus strand). Cytogenetic location: 4q21.23.
Variant type: single nucleotide variant.
Coding change: c.10467C>G on transcript NM_014991.6 (MANE Select); coding-DNA position 10467, C replaced by G.
Protein change: p.Arg3489=; no amino-acid change (arginine 3489 retained).
Molecular consequence: synonymous variant.
Genome position (GRCh38, 1-based): chr4:84,672,982, G>C on the plus strand (C>G on the coding strand, the complement: WDFY3 is on the minus strand). VCF-style: chr4-84672982-G-C. GRCh37 (hg19) VCF-style: chr4-85594135-G-C.
Identifiers: ClinVar variation 2654858 (VCV002654858.24), dbSNP rs1725657709, ClinGen allele CA440127373.
Genomic context (GRCh38, chr4:84,672,982, plus strand): 5'-ACAGTTCTGACAAACACGCACCGGGGATGAGATTTTCAAGCGTTTGATTTCAGATTGAAA[G>C]CGACTGCACCTAAAGGAAAGGAAAAGTCAATTAATTATAGGTCTTCTCCATGCTTGATCA-3'
Protein context (NP_055806.2, residues 3479-3499): CGQLFCQKCS[Arg3489=]FQSEIKRLKI